The following is an entry in ClinVar:

NM_000548.5(TSC2):c.4226G>C (p.Arg1409Pro)

Gene: TSC2 (TSC complex subunit 2; plus strand). Cytogenetic location: 16p13.3.
Variant type: single nucleotide variant.
Coding change: c.4226G>C on transcript NM_000548.5 (MANE Select); coding-DNA position 4226, G replaced by C.
Protein change: p.Arg1409Pro; replaces arginine 1409 with proline.
Molecular consequence: missense variant. On other transcripts: non-coding transcript variant (5).
Genome position (GRCh38, 1-based): chr16:2,084,448, G>C. VCF-style: chr16-2084448-G-C. GRCh37 (hg19) VCF-style: chr16-2134449-G-C.
Other names: c.4046G>C, p.Arg1349Pro (NM_001406670.1); c.4016G>C, p.Arg1339Pro (NM_001406671.1); c.4013G>C, p.Arg1338Pro (NM_001406673.1); c.4010G>C, p.Arg1337Pro (NM_001406675.1); c.4007G>C, p.Arg1336Pro (NM_001406676.1); c.3968G>C, p.Arg1323Pro (NM_001406677.1); c.3914G>C, p.Arg1305Pro (NM_001406678.1); c.3878G>C, p.Arg1293Pro (NM_001406679.1); and 26 more; short protein forms R1142P, R1189P, R1293P, R1306P, R1339P, R1349P, R1373P, R1305P.
Identifiers: ClinVar variation 3667048 (VCV003667048.3).

ClinVar aggregate classification (germline): Uncertain significance. Review status: criteria provided, multiple submitters, no conflicts (2 of 4 stars). 2 submissions from 2 submitters: Uncertain significance (2). Last evaluated 2025-12-20.

Conditions:
Tuberous sclerosis 2 (TSC2). Identifiers: Orphanet 805, MedGen C1860707, MONDO:0013199, OMIM 613254.
Hereditary cancer-predisposing syndrome. Also called: Hereditary Cancer Syndrome; Neoplastic Syndromes, Hereditary; Tumor predisposition; Hereditary neoplastic syndrome. Identifiers: Orphanet 140162, MedGen C0027672, MeSH D009386, MONDO:0015356.

Submissions (2):

Ambry Genetics
Classification: Uncertain significance for Hereditary cancer-predisposing syndrome. Last evaluated: 2025-12-20. Review status: criteria provided, single submitter. Criteria: Ambry Variant Classification Scheme 2023. Collection method: clinical testing. Allele origin: germline.
Comment: The p.R1409P variant (also known as c.4226G>C), located in coding exon 33 of the TSC2 gene, results from a G to C substitution at nucleotide position 4226. The arginine at codon 1409 is replaced by proline, an amino acid with dissimilar properties. This amino acid position is conserved. In addition, the in silico prediction for this alteration is inconclusive. Based on the available evidence, the clinical significance of this variant remains unclear.

Labcorp Genetics (formerly Invitae), Labcorp
Classification: Uncertain significance for Tuberous sclerosis 2. Last evaluated: 2024-07-09. Review status: criteria provided, single submitter. Criteria: Invitae Variant Classification Sherloc (09022015). Collection method: clinical testing. Allele origin: germline.
Comment: This sequence change replaces arginine, which is basic and polar, with proline, which is neutral and non-polar, at codon 1409 of the TSC2 protein (p.Arg1409Pro). This variant is not present in population databases (gnomAD no frequency). This variant has not been reported in the literature in individuals affected with TSC2-related conditions. Advanced modeling of protein sequence and biophysical properties (such as structural, functional, and spatial information, amino acid conservation, physicochemical variation, residue mobility, and thermodynamic stability) performed at Invitae indicates that this missense variant is not expected to disrupt TSC2 protein function with a negative predictive value of 95%. In summary, the available evidence is currently insufficient to determine the role of this variant in disease. Therefore, it has been classified as a Variant of Uncertain Significance.